The following is an entry in ClinVar:

ClinVar aggregate classification (germline): Uncertain significance (1 of 4 stars; one submission).

Submission:

Athena Diagnostics
Classification: Uncertain significance. Last evaluated: 2023-05-08. Review status: criteria provided, single submitter. Criteria: Athena Diagnostics Criteria. Collection method: clinical testing. Allele origin: unknown.
Comment: Available data are insufficient to determine the clinical significance of the variant at this time. This variant has not been reported in large, multi-ethnic general populations. Computational tools yielded predictions that this variant may result in the gain of a cryptic splice site without affecting the natural splice sites. This variant has been seen where an alternate explanation for disease was also identified, suggesting this variant may not cause disease.

NM_004115.4(FGF14):c.126C>T (p.Gly42=)

Gene: FGF14 (fibroblast growth factor 14; minus strand). Cytogenetic location: 13q33.1.
Variant type: single nucleotide variant.
Coding change: c.126C>T on transcript NM_004115.4 (MANE Select); coding-DNA position 126, C replaced by T.
Protein change: p.Gly42=; no amino-acid change (glycine 42 retained).
Molecular consequence: synonymous variant. On other transcripts: intron variant (21).
Genome position (GRCh38, 1-based): chr13:101,916,520, G>A on the plus strand (C>T on the coding strand, the complement: FGF14 is on the minus strand). VCF-style: chr13-101916520-G-A. GRCh37 (hg19) VCF-style: chr13-102568870-G-A.
Other names: c.53-41224C>T (NM_001321947.2); c.92-41224C>T (NM_001379342.1, NM_001321948.2, NM_001321945.2); c.-59-41224C>T (NM_001321946.2, NM_001321949.1, NM_001321943.1 and 4 more transcripts); c.14-41224C>T (NM_001321938.2, NM_001321940.1, NM_001321933.1); c.209-47692C>T (NM_001321939.2); c.209-41224C>T (NM_175929.3, NM_001321937.2); c.8-41224C>T (NM_001321941.2); c.5-41224C>T (NM_001321944.1, NM_001321936.1, NM_001321932.1).
Identifiers: ClinVar variation 2684190 (VCV002684190.1), dbSNP rs2502398160, ClinGen allele CA2548761519.